The following is an entry in ClinVar:

NM_006494.4(ERF):c.1021del (p.Gln341fs)

Gene: ERF (ETS2 repressor factor; minus strand). Cytogenetic location: 19q13.2.
Variant type: Deletion.
Coding change: c.1021del on transcript NM_006494.4 (MANE Select); coding-DNA position 1021, one base deleted (C; older notation c.1021delC).
Protein change: p.Gln341fs; shifts the reading frame from glutamine 341.
Molecular consequence: frameshift variant.
Genome position (GRCh38, 1-based): chr19:42,249,091, G deleted on the plus strand (C on the coding strand, the reverse complement: ERF is on the minus strand); the first of 4 consecutive G bases (chr19:42,249,091-42,249,094); deleting any one gives the same sequence. VCF-style (leftmost placement, unchanged base first): chr19-42249090-TG-T. GRCh37 (hg19) VCF-style: chr19-42753242-TG-T.
Other names: c.796del, p.Gln266fs (NM_001301035.2, NM_001308402.2, NM_001312656.2); short protein forms Q341fs, Q266fs.
Identifiers: ClinVar variation 2133130 (VCV002133130.4), dbSNP rs2513520661, ClinGen allele CA2580097347.
Genomic context (GRCh38, chr19:42,249,090, plus strand): 5'-GGGACCGGTGGGGTCTCGGGTGCCATGGGCGGCAGCGGGCACTTGTCAGGGCGCTGGGGC[TG>T]GGGCACCACCAGCCCAGGGTAGTGCAGGAAGGCGCGGGGGCTGAGGTGGTAGTTGTAGAC-3'

ClinVar aggregate classification (germline): Pathogenic (1 of 4 stars; one submission).

Conditions:
TWIST1-related craniosynostosis (CRS1). Also called: CRANIOSYNOSTOSIS 1. Identifiers: Orphanet 63440, MedGen C4551902, MONDO:0007399, OMIM 123100. Inheritance: Heterogenous inheritance pattern.

Submission:

Labcorp Genetics (formerly Invitae), Labcorp
Classification: Pathogenic for TWIST1-related craniosynostosis. Last evaluated: 2022-05-16. Review status: criteria provided, single submitter. Criteria: Invitae Variant Classification Sherloc (09022015). Collection method: clinical testing. Allele origin: germline.
Comment: This sequence change creates a premature translational stop signal (p.Gln341Serfs*56) in the ERF gene. While this is not anticipated to result in nonsense mediated decay, it is expected to disrupt the last 208 amino acid(s) of the ERF protein. For these reasons, this variant has been classified as Pathogenic. This variant disrupts a region of the ERF protein in which other variant(s) (p.Gln424*) have been determined to be pathogenic (PMID: 23354439, 30758909). This suggests that this is a clinically significant region of the protein, and that variants that disrupt it are likely to be disease-causing. This variant has not been reported in the literature in individuals affected with ERF-related conditions. This variant is not present in population databases (gnomAD no frequency).

Literature cited by the submitters: PubMed 23354439; PubMed 30758909.